The following is an entry in ClinVar:

ClinVar aggregate classification (germline): Benign/Likely benign. Review status: criteria provided, multiple submitters, no conflicts (2 of 4 stars). 2 submissions from 2 submitters: Benign (1); Likely benign (1). Last evaluated 2025-10-22.

Conditions:
Familial cancer of breast. Also called: BREAST CANCER, FAMILIAL; Hereditary breast cancer; hereditary breast carcinoma. Identifiers: Orphanet 227535, MedGen C0346153, MONDO:0016419, OMIM 114480. Disease mechanism: loss of function.
Hereditary cancer-predisposing syndrome. Also called: Hereditary neoplastic syndrome; Neoplastic Syndromes, Hereditary; Tumor predisposition; Hereditary Cancer Syndrome. Identifiers: Orphanet 140162, MedGen C0027672, MeSH D009386, MONDO:0015356.

Allele frequency attached by ClinVar (database versions not stated): gnomAD 0.00001.
gnomAD v4.1: 1 of 1,614,000 alleles (0.000062%); highest among the groups gnomAD compares: South Asian, 0.0011%; no homozygotes.

Submissions (2):

Ambry Genetics
Classification: Likely benign for Hereditary cancer-predisposing syndrome. Last evaluated: 2025-10-22. Review status: criteria provided, single submitter. Criteria: Ambry Variant Classification Scheme 2023. Collection method: clinical testing. Allele origin: germline.

Myriad Genetics, Inc.
Classification: Benign for Familial cancer of breast. Last evaluated: 2024-04-24. Review status: criteria provided, single submitter. Criteria: Myriad Autosomal Dominant, Autosomal Recessive and X-Linked Classification Criteria (2023). Collection method: clinical testing. Allele origin: unknown.
Comment: This variant is considered benign. This variant is a silent/synonymous amino acid change and it is not expected to impact splicing.

NM_000051.4(ATM):c.999T>C (p.Ser333=)

Gene: ATM (ATM serine/threonine kinase; plus strand). Cytogenetic location: 11q22.3.
Variant type: single nucleotide variant.
Coding change: c.999T>C on transcript NM_000051.4 (MANE Select); coding-DNA position 999, T replaced by C.
Protein change: p.Ser333=; no amino-acid change (serine 333 retained).
Molecular consequence: synonymous variant.
Genome position (GRCh38, 1-based): chr11:108,247,061, T>C. VCF-style: chr11-108247061-T-C. GRCh37 (hg19) VCF-style: chr11-108117788-T-C.
Other names: c.999T>C, p.Ser333= (NM_001351834.2).
Identifiers: ClinVar variation 3253795 (VCV003253795.2), dbSNP rs2135267733.